The following is an entry in ClinVar:

NR_023317.1(RNU7-1):n.5G>A

Genes: C12orf57 (chromosome 12 open reading frame 57; plus strand), RNU7-1 (RNA, U7 small nuclear 1; plus strand). Cytogenetic location: 12p13.31.
Variant type: single nucleotide variant.
Molecular consequence: non-coding transcript variant (on NR_023317.1). On other transcripts: intron variant (2).
Genome position: GRCh38 VCF-style: chr12-6943820-G-A. GRCh37 (hg19) VCF-style: chr12-7052983-G-A.
Other names: c.13+158G>A (NM_001301836.2); c.-16+158G>A (NM_001301834.1).
Identifiers: ClinVar variation 4852372 (VCV004852372.1).

ClinVar aggregate classification (germline): Uncertain significance (1 of 4 stars; one submission).

Conditions:
Aicardi-Goutieres syndrome 9. Identifiers: MedGen C5561966, MONDO:0030362, OMIM 619487.

gnomAD v4.1: 81 of 857,788 alleles (0.0094%); highest among the groups gnomAD compares: Non-Finnish European, 0.012%; no homozygotes.

Submission:

MVZ Medizinische Genetik Mainz
Classification: Uncertain significance for Aicardi-Goutieres syndrome 9. Last evaluated: 2024-11-06. Review status: criteria provided, single submitter. Criteria: UK Practice Guidelines For Variant Classification V4 01 2020. Collection method: clinical testing. Allele origin: germline. Inheritance: Autosomal recessive inheritance. Affected: yes. Observed: 1 variant allele.
Comment: ACMG Criteria: PM2_SUP,PM3_SUP,PP3; Compound Heterozygote